The following is an entry in ClinVar:

NM_198252.3(GSN):c.625G>T (p.Val209Leu)

Gene: GSN (gelsolin; plus strand). Cytogenetic location: 9q33.2.
Variant type: single nucleotide variant.
Coding change: c.625G>T on transcript NM_198252.3 (MANE Select); coding-DNA position 625, G replaced by T.
Protein change: p.Val209Leu; replaces valine 209 with leucine.
Molecular consequence: missense variant. On other transcripts: 5 prime UTR variant (1).
Genome position (GRCh38, 1-based): chr9:121,312,450, G>T. VCF-style: chr9-121312450-G-T. GRCh37 (hg19) VCF-style: chr9-124074728-G-T.
Other names: c.778G>T, p.Val260Leu (NM_000177.5); c.625G>T, p.Val209Leu (NM_001127662.2, NM_001127664.2, NM_001127665.2 and 10 more transcripts); c.733G>T, p.Val245Leu (NM_001127663.2); c.658G>T, p.Val220Leu (NM_001127666.2, NM_001127667.2, NM_001353067.2 and 13 more transcripts); c.676G>T, p.Val226Leu (NM_001258029.2); c.649G>T, p.Val217Leu (NM_001258030.2); c.697G>T, p.Val233Leu (NM_001353076.2); c.-30G>T (NM_001353078.2); short protein forms V217L, V260L, V226L, V245L, V209L, V220L, V233L.
Identifiers: ClinVar variation 3675749 (VCV003675749.2).

ClinVar aggregate classification (germline): Uncertain significance (1 of 4 stars; one submission).

Submission:

Labcorp Genetics (formerly Invitae), Labcorp
Classification: Uncertain significance. Last evaluated: 2024-10-06. Review status: criteria provided, single submitter. Criteria: Invitae Variant Classification Sherloc (09022015). Collection method: clinical testing. Allele origin: germline.
Comment: This sequence change replaces valine, which is neutral and non-polar, with leucine, which is neutral and non-polar, at codon 260 of the GSN protein (p.Val260Leu). This variant is not present in population databases (gnomAD no frequency). This variant has not been reported in the literature in individuals affected with GSN-related conditions. Invitae Evidence Modeling of protein sequence and biophysical properties (such as structural, functional, and spatial information, amino acid conservation, physicochemical variation, residue mobility, and thermodynamic stability) indicates that this missense variant is not expected to disrupt GSN protein function with a negative predictive value of 80%. In summary, the available evidence is currently insufficient to determine the role of this variant in disease. Therefore, it has been classified as a Variant of Uncertain Significance.